The following is an entry in ClinVar:

ClinVar aggregate classification (germline): Uncertain significance (1 of 4 stars; one submission).

Conditions:
Spastic paraplegia. Identifiers: MedGen C0037772, HP:0001258.

Allele frequency attached by ClinVar (database versions not stated): gnomAD exomes below 0.00001; ExAC 0.00001; TOPMed 0.00001; gnomAD 0.00002.
gnomAD v4.1: 4 of 1,208,411 alleles (0.00033%); highest among the groups gnomAD compares: East Asian, 0.012%; no homozygotes.

Submission:

Labcorp Genetics (formerly Invitae), Labcorp
Classification: Uncertain significance for Spastic paraplegia. Last evaluated: 2023-08-08. Review status: criteria provided, single submitter. Criteria: Invitae Variant Classification Sherloc (09022015). Collection method: clinical testing. Allele origin: germline.
Comment: In summary, the available evidence is currently insufficient to determine the role of this variant in disease. Therefore, it has been classified as a Variant of Uncertain Significance. Advanced modeling of protein sequence and biophysical properties (such as structural, functional, and spatial information, amino acid conservation, physicochemical variation, residue mobility, and thermodynamic stability) has been performed at Invitae for this missense variant, however the output from this modeling did not meet the statistical confidence thresholds required to predict the impact of this variant on L1CAM protein function. This variant has not been reported in the literature in individuals affected with L1CAM-related conditions. The frequency data for this variant in the population databases is considered unreliable, as metrics indicate poor data quality at this position in the gnomAD database. This sequence change replaces glutamine, which is neutral and polar, with arginine, which is basic and polar, at codon 355 of the L1CAM protein (p.Gln355Arg).

NM_001278116.2(L1CAM):c.1064A>G (p.Gln355Arg)

Gene: L1CAM (L1 cell adhesion molecule; minus strand). Cytogenetic location: Xq28.
Variant type: single nucleotide variant.
Coding change: c.1064A>G on transcript NM_001278116.2 (MANE Select); coding-DNA position 1064, A replaced by G.
Protein change: p.Gln355Arg; replaces glutamine 355 with arginine.
Molecular consequence: missense variant.
Genome position (GRCh38, 1-based): chrX:153,869,862, T>C on the plus strand (A>G on the coding strand, the complement: L1CAM is on the minus strand). VCF-style: chrX-153869862-T-C. GRCh37 (hg19) VCF-style: chrX-153135317-T-C.
Other names: c.1064A>G, p.Gln355Arg (NM_000425.5, NM_024003.3); c.1049A>G, p.Gln350Arg (NM_001143963.2); short protein forms Q350R, Q355R.
Identifiers: ClinVar variation 2909121 (VCV002909121.3), dbSNP rs782287774, ClinGen allele CA10554439.